The following is an entry in ClinVar:

ClinVar aggregate classification (germline): Uncertain significance. Review status: criteria provided, multiple submitters, no conflicts (2 of 4 stars). 2 submissions from 2 submitters: Uncertain significance (2). Last evaluated 2025-01-10.

Submissions (2):

Ambry Genetics
Classification: Uncertain significance. Last evaluated: 2025-01-10. Review status: criteria provided, single submitter. Criteria: Ambry Variant Classification Scheme 2023. Collection method: clinical testing. Allele origin: germline.
Comment: The p.M410V variant (also known as c.1228A>G), located in coding exon 12 of the RASA2 gene, results from an A to G substitution at nucleotide position 1228. The methionine at codon 410 is replaced by valine, an amino acid with highly similar properties. This amino acid position is conserved. In addition, this alteration is predicted to be deleterious by in silico analysis. Based on the available evidence, the clinical significance of this variant remains unclear.

Labcorp Genetics (formerly Invitae), Labcorp
Classification: Uncertain significance. Last evaluated: 2024-02-17. Review status: criteria provided, single submitter. Criteria: Invitae Variant Classification Sherloc (09022015). Collection method: clinical testing. Allele origin: germline.
Comment: This sequence change replaces methionine, which is neutral and non-polar, with valine, which is neutral and non-polar, at codon 410 of the RASA2 protein (p.Met410Val). This variant is not present in population databases (gnomAD no frequency). This variant has not been reported in the literature in individuals affected with RASA2-related conditions. Advanced modeling of protein sequence and biophysical properties (such as structural, functional, and spatial information, amino acid conservation, physicochemical variation, residue mobility, and thermodynamic stability) performed at Invitae indicates that this missense variant is expected to disrupt RASA2 protein function with a positive predictive value of 80%. In summary, the available evidence is currently insufficient to determine the role of this variant in disease. Therefore, it has been classified as a Variant of Uncertain Significance.

NM_006506.5(RASA2):c.1228A>G (p.Met410Val)

Gene: RASA2 (RAS p21 protein activator 2; plus strand). Cytogenetic location: 3q23.
Variant type: single nucleotide variant.
Coding change: c.1228A>G on transcript NM_006506.5 (MANE Select); coding-DNA position 1228, A replaced by G.
Protein change: p.Met410Val; replaces methionine 410 with valine.
Molecular consequence: missense variant.
Genome position (GRCh38, 1-based): chr3:141,572,667, A>G. VCF-style: chr3-141572667-A-G. GRCh37 (hg19) VCF-style: chr3-141291509-A-G.
Other names: c.1228A>G, p.Met410Val (NM_001303245.3, NM_001303246.3); c.1228A>G (NM_006506.2); short protein forms M410V.
Identifiers: ClinVar variation 3641649 (VCV003641649.3).